The following is an entry in ClinVar:

ClinVar aggregate classification (germline): Uncertain significance (1 of 4 stars; one submission).

gnomAD v4.1: 18 of 1,540,448 alleles (0.0012%); highest among the groups gnomAD compares: East Asian, 0.034%; no homozygotes.

Submission:

GeneDx
Classification: Uncertain significance. Last evaluated: 2024-05-08. Review status: criteria provided, single submitter. Criteria: GeneDx Variant Classification Process June 2021. Collection method: clinical testing. Allele origin: germline. Affected: yes.
Comment: Has not been previously published as pathogenic or benign to our knowledge; In silico analysis is inconclusive as to whether the variant alters gene splicing. In the absence of RNA/functional studies, the actual effect of this sequence change is unknown.

NM_004370.6(COL12A1):c.-35-4G>T

Gene: COL12A1 (collagen type XII alpha 1 chain; minus strand). Cytogenetic location: 6q14.1.
Variant type: single nucleotide variant.
Coding change: c.-35-4G>T on transcript NM_004370.6 (MANE Select); 4 bases into the intron before 35 bases upstream of the start codon, G replaced by T.
Molecular consequence: intron variant.
Genome position (GRCh38, 1-based): chr6:75,202,831, C>A on the plus strand (G>T on the coding strand, the complement: COL12A1 is on the minus strand). VCF-style: chr6-75202831-C-A. GRCh37 (hg19) VCF-style: chr6-75912547-C-A.
Other names: c.-35-4G>T (NM_001424116.1, NM_080645.3, NM_001424115.1 and 2 more transcripts).
Identifiers: ClinVar variation 3375753 (VCV003375753.1).
Genomic context (GRCh38, chr6:75,202,831, plus strand): 5'-CTGGGGGAAGCCTACTCCGCATCCTTGGCCTCCGAGCTTACAGCGGCATGAAGAGATCTG[C>A]GGGAGGAAGTAGTGACTGCATCAGAACTGGGTCTGGGCAGGCCTTGAACCAGGTTAGAAC-3'